The following is an entry in ClinVar:

ClinVar aggregate classification (germline): Uncertain significance (0 of 4 stars; one submission).

Conditions:
GNAS-related disorder. Identifiers: MedGen CN380105.

gnomAD v4.1: 1 of 1,607,502 alleles (0.000062%); highest among the groups gnomAD compares: Non-Finnish European, 0.000085%; no homozygotes.

Submission:

PreventionGenetics, part of Exact Sciences
Classification: Uncertain significance for GNAS-related condition. Last evaluated: 2024-04-25. Review status: no assertion criteria provided. Collection method: clinical testing. Allele origin: germline.
Comment: The GNAS c.1031A>G variant is predicted to result in the amino acid substitution p.Asp344Gly. To our knowledge, this variant has not been reported in the literature or in a large population database, indicating this variant is rare. At this time, the clinical significance of this variant is uncertain due to the absence of conclusive functional and genetic evidence.

NM_080425.4(GNAS):c.1031A>G (p.Asp344Gly)

Gene: GNAS (GNAS complex locus; plus strand). Cytogenetic location: 20q13.32.
Variant type: single nucleotide variant.
Coding change: c.1031A>G on transcript NM_080425.4 (MANE Plus Clinical); coding-DNA position 1031, A replaced by G.
Protein change: p.Asp344Gly; replaces aspartic acid 344 with glycine.
Molecular consequence: missense variant. On other transcripts: intron variant (3).
Genome position (GRCh38, 1-based): chr20:58,854,296, A>G. VCF-style: chr20-58854296-A-G. GRCh37 (hg19) VCF-style: chr20-57429351-A-G.
Other names: c.844A>G, p.Ile282Val (NM_001077490.3, NM_001309883.1); c.1031A>G, p.Asp344Gly (NM_001410913.1); c.*42+13410A>G (NM_016592.5); c.43+13410A>G (NM_001410912.1); c.-39+12421A>G (NM_001309861.2); short protein forms D344G, I282V.
Identifiers: ClinVar variation 3346897 (VCV003346897.1).
Genomic context (GRCh38, chr20:58,854,296, plus strand): 5'-ACATGGACAGCCCCCCAATCGCGCTTGACGGCCCGCCCATCAAGGTCTCCGGAGCCCCAG[A>G]TAAGAGAGAGCGAGCAGAGAGACCCCCAGTTGAGGAGGAAGCAGCAGAGATGGAAGGAGC-3'
Protein context (NP_536350.2, residues 334-354): GPPIKVSGAP[Asp344Gly]KRERAERPPV